The following is an entry in ClinVar:

NM_001754.5(RUNX1):c.1111A>C (p.Met371Leu)

Gene: RUNX1 (RUNX family transcription factor 1; minus strand). Cytogenetic location: 21q22.12.
Variant type: single nucleotide variant.
Coding change: c.1111A>C on transcript NM_001754.5 (MANE Select); coding-DNA position 1111, A replaced by C.
Protein change: p.Met371Leu; replaces methionine 371 with leucine.
Molecular consequence: missense variant.
Genome position (GRCh38, 1-based): chr21:34,792,467, T>G on the plus strand (A>C on the coding strand, the complement: RUNX1 is on the minus strand). VCF-style: chr21-34792467-T-G. GRCh37 (hg19) VCF-style: chr21-36164764-T-G.
Other names: c.1030A>C, p.Met344Leu (NM_001001890.3); short protein forms M344L, M371L.
Identifiers: ClinVar variation 4158206 (VCV004158206.1).

ClinVar aggregate classification (germline): Uncertain significance (1 of 4 stars; one submission).

Conditions:
Inborn genetic diseases. Identifiers: MedGen C0950123, MeSH D030342.

gnomAD v4.1: 1 of 1,584,392 alleles (0.000063%); highest among the groups gnomAD compares: East Asian, 0.0023%; no homozygotes.

Submission:

Ambry Genetics
Classification: Uncertain significance for Inborn genetic diseases. Last evaluated: 2025-07-17. Review status: criteria provided, single submitter. Criteria: Ambry Variant Classification Scheme 2023. Collection method: clinical testing. Allele origin: germline.
Comment: The p.M371L variant (also known as c.1111A>C), located in coding exon 8 of the RUNX1 gene, results from an A to C substitution at nucleotide position 1111. The methionine at codon 371 is replaced by leucine, an amino acid with highly similar properties. This amino acid position is conserved. In addition, this alteration is predicted to be deleterious by in silico analysis. Based on the available evidence, the clinical significance of this variant remains unclear.